The following is an entry in ClinVar:

NM_000263.4(NAGLU):c.886del (p.Leu296fs)

Gene: NAGLU (N-acetyl-alpha-glucosaminidase; plus strand). Cytogenetic location: 17q21.2.
Variant type: Deletion.
Coding change: c.886del on transcript NM_000263.4 (MANE Select); coding-DNA position 886, one base deleted (C; older notation c.886delC).
Protein change: p.Leu296fs; shifts the reading frame from leucine 296.
Molecular consequence: frameshift variant.
Genome position (GRCh38, 1-based): chr17:42,541,071, C deleted; the last of 2 consecutive C bases (chr17:42,541,070-42,541,071); deleting either gives the same sequence. VCF-style (leftmost placement, unchanged base first): chr17-42541069-TC-T. GRCh37 (hg19) VCF-style: chr17-40693087-TC-T.
Other names: short protein forms L296fs.
Identifiers: ClinVar variation 521841 (VCV000521841.10), dbSNP rs752131463, ClinGen allele CA8576895.

ClinVar aggregate classification (germline): Pathogenic. Review status: criteria provided, multiple submitters, no conflicts (2 of 4 stars). 4 submissions from 4 submitters: Pathogenic (4). Last evaluated 2024-12-02.

Conditions:
Inborn genetic diseases. Identifiers: MedGen C0950123, MeSH D030342.
Mucopolysaccharidosis, MPS-III-B (MPS3B). Also called: SANFILIPPO SYNDROME B; MPS III B; MUCOPOLYSACCHARIDOSIS, TYPE IIIB; Mucopolysaccharidosis type IIIB (Sanfilippo B); MPS IIIB (Sanfilippo Syndrome Type B); N-ACETYL-ALPHA-D-GLUCOSAMINIDASE DEFICIENCY. Identifiers: Orphanet 79270, MedGen C0086648, MONDO:0009656, OMIM 252920.
Charcot-Marie-Tooth disease axonal type 2V. Also called: CHARCOT-MARIE-TOOTH NEUROPATHY, TYPE 2V; CHARCOT-MARIE-TOOTH DISEASE, AXONAL, AUTOSOMAL DOMINANT, TYPE 2V. Identifiers: Orphanet 447964, MedGen C5569050, MONDO:0014665, OMIM 616491.

Submissions (4):

Labcorp Genetics (formerly Invitae), Labcorp
Classification: Pathogenic for Charcot-Marie-Tooth disease axonal type 2V; Mucopolysaccharidosis, MPS-III-B. Last evaluated: 2024-12-02. Review status: criteria provided, single submitter. Criteria: Invitae Variant Classification Sherloc (09022015). Collection method: clinical testing. Allele origin: germline.
Comment: This sequence change creates a premature translational stop signal (p.Leu296Cysfs*4) in the NAGLU gene. It is expected to result in an absent or disrupted protein product. Loss-of-function variants in NAGLU are known to be pathogenic (PMID: 9832037, 10094189, 16151907). This variant is present in population databases (rs752131463, gnomAD 0.007%). This variant has not been reported in the literature in individuals affected with NAGLU-related conditions. ClinVar contains an entry for this variant (Variation ID: 521841). For these reasons, this variant has been classified as Pathogenic.

Natera, Inc.
Classification: Pathogenic for Mucopolysaccharidosis type IIIB. Last evaluated: 2024-05-21. Review status: criteria provided, single submitter. Criteria: Natera Variant Classification Schema (03/2026). Collection method: clinical testing. Allele origin: germline.
Comment: The c.886delC variant in NAGLU is a frameshift variant predicted to shift the reading frame beginning at codon 296 and leads to a stop codon 4 codons downstream. This variant is expected to result in nonsense mediated decay, truncation, or a dysfunctional protein product. This variant is rare in the general population with a frequency below the threshold expected for the associated phenotype(s). This variant has been observed in one or more individuals affected with the associated recessive disease, as either homozygous or compound heterozygous with a second variant (PMID: 34806811). Given the available evidence, this variant is classified as Pathogenic.

Fulgent Genetics
Classification: Pathogenic for Mucopolysaccharidosis, MPS-III-B; Charcot-Marie-Tooth disease axonal type 2V. Last evaluated: 2024-05-16. Review status: criteria provided, single submitter. Criteria: ACMG Guidelines, 2015. Collection method: clinical testing. Allele origin: germline.

Ambry Genetics
Classification: Pathogenic for Inborn genetic diseases. Last evaluated: 2017-06-20. Review status: criteria provided, single submitter. Criteria: Ambry exome assertion method (8-5-2015). Collection method: clinical testing. Allele origin: germline. Affected: yes. Observed: 1 variant allele.

Literature cited by the submitters: PubMed 9832037 (cited by Labcorp Genetics (formerly Invitae), Labcorp); PubMed 10094189 (cited by Labcorp Genetics (formerly Invitae), Labcorp); PubMed 16151907 (cited by Labcorp Genetics (formerly Invitae), Labcorp); PubMed 34806811 (cited by Natera, Inc.).